The following is an entry in ClinVar:

ClinVar aggregate classification (germline): Uncertain significance (1 of 4 stars; one submission).

Allele frequency attached by ClinVar (database versions not stated): gnomAD exomes below 0.00001.

Submission:

Labcorp Genetics (formerly Invitae), Labcorp
Classification: Uncertain significance. Last evaluated: 2025-06-16. Review status: criteria provided, single submitter. Criteria: Invitae Variant Classification Sherloc (09022015). Collection method: clinical testing. Allele origin: germline.
Comment: This sequence change replaces valine, which is neutral and non-polar, with methionine, which is neutral and non-polar, at codon 49 of the CDH2 protein (p.Val49Met). This variant is not present in population databases (gnomAD no frequency). This variant has not been reported in the literature in individuals affected with CDH2-related conditions. ClinVar contains an entry for this variant (Variation ID: 2849731). An algorithm developed to predict the effect of missense changes on protein structure and function (PolyPhen-2) suggests that this variant is likely to be tolerated. In summary, the available evidence is currently insufficient to determine the role of this variant in disease. Therefore, it has been classified as a Variant of Uncertain Significance.

NM_001792.5(CDH2):c.145G>A (p.Val49Met)

Gene: CDH2 (cadherin 2; minus strand). Cytogenetic location: 18q12.1.
Variant type: single nucleotide variant.
Coding change: c.145G>A on transcript NM_001792.5 (MANE Select); coding-DNA position 145, G replaced by A.
Protein change: p.Val49Met; replaces valine 49 with methionine.
Molecular consequence: missense variant.
Genome position (GRCh38, 1-based): chr18:28,147,700, C>T on the plus strand (G>A on the coding strand, the complement: CDH2 is on the minus strand). VCF-style: chr18-28147700-C-T. GRCh37 (hg19) VCF-style: chr18-25727664-C-T.
Other names: short protein forms V49M.
Identifiers: ClinVar variation 2849731 (VCV002849731.3), dbSNP rs2510778241, ClinGen allele CA402244474.